The following is an entry in ClinVar:

NM_014762.4(DHCR24):c.530C>T (p.Ser177Phe)

Gene: DHCR24 (24-dehydrocholesterol reductase; minus strand). Cytogenetic location: 1p32.3.
Variant type: single nucleotide variant.
Coding change: c.530C>T on transcript NM_014762.4 (MANE Select); coding-DNA position 530, C replaced by T.
Protein change: p.Ser177Phe; replaces serine 177 with phenylalanine.
Molecular consequence: missense variant.
Genome position (GRCh38, 1-based): chr1:54,875,175, G>A on the plus strand (C>T on the coding strand, the complement: DHCR24 is on the minus strand). VCF-style: chr1-54875175-G-A. GRCh37 (hg19) VCF-style: chr1-55340848-G-A.
Other names: short protein forms S177F.
Identifiers: ClinVar variation 1715939 (VCV001715939.5), dbSNP rs2524734104, ClinGen allele CA340460893.
Genomic context (GRCh38, chr1:54,875,175, plus strand): 5'-CCATCAGCCAGGACCAGCTCGTAAGCAGTGCAGATGTGTTGGAACAGGCCGTACTTGTGG[G>A]ATGATGACTCGATGCCTGTGCCCATGATCAAGCCCCCTGCAGAGACATCACACACAGTGT-3'
Protein context (NP_055577.1, residues 167-187): LIMGTGIESS[Ser177Phe]HKYGLFQHIC

ClinVar aggregate classification (germline): Uncertain significance (1 of 4 stars; one submission).

Allele frequency attached by ClinVar (database versions not stated): gnomAD exomes below 0.00001.
gnomAD v4.1: 1 of 1,614,194 alleles (0.000062%); highest among the groups gnomAD compares: Non-Finnish European, 0.000085%; no homozygotes.

Submission:

Labcorp Genetics (formerly Invitae), Labcorp
Classification: Uncertain significance. Last evaluated: 2022-07-16. Review status: criteria provided, single submitter. Criteria: Invitae Variant Classification Sherloc (09022015). Collection method: clinical testing. Allele origin: germline.
Comment: In summary, the available evidence is currently insufficient to determine the role of this variant in disease. Therefore, it has been classified as a Variant of Uncertain Significance. Algorithms developed to predict the effect of missense changes on protein structure and function (SIFT, PolyPhen-2, Align-GVGD) all suggest that this variant is likely to be disruptive. This variant has not been reported in the literature in individuals affected with DHCR24-related conditions. This variant is not present in population databases (gnomAD no frequency). This sequence change replaces serine, which is neutral and polar, with phenylalanine, which is neutral and non-polar, at codon 177 of the DHCR24 protein (p.Ser177Phe).